The following is an entry in ClinVar:

NM_014141.6(CNTNAP2):c.2369G>A (p.Arg790His)

Gene: CNTNAP2 (contactin associated protein 2; plus strand). Cytogenetic location: 7q35.
Variant type: single nucleotide variant.
Coding change: c.2369G>A on transcript NM_014141.6 (MANE Select); coding-DNA position 2369, G replaced by A.
Protein change: p.Arg790His; replaces arginine 790 with histidine.
Molecular consequence: missense variant.
Genome position (GRCh38, 1-based): chr7:147,977,975, G>A. VCF-style: chr7-147977975-G-A. GRCh37 (hg19) VCF-style: chr7-147675067-G-A.
Other names: p.R790H:CGC>CAC; short protein forms R790H.
Identifiers: ClinVar variation 194529 (VCV000194529.33), dbSNP rs73464271, ClinGen allele CA240547.

ClinVar aggregate classification (germline): Conflicting classifications of pathogenicity. Review status: criteria provided, conflicting classifications (1 of 4 stars). 8 submissions from 8 submitters: Uncertain significance (5); Likely benign (2). 1 of the submissions does not count toward it. Last evaluated 2026-01-28.

Conditions:
CNTNAP2-related disorder. Also called: CNTNAP2-related condition.
Inborn genetic diseases. Identifiers: MedGen C0950123, MeSH D030342.
Cortical dysplasia-focal epilepsy syndrome (PTHSL1). Also called: Pitt-Hopkins-like syndrome 1. Identifiers: Orphanet 163681, Orphanet 221150, MedGen C2750246, MONDO:0012400, OMIM 610042.

Allele frequency attached by ClinVar (database versions not stated): gnomAD exomes 0.00008 and 0.00020; ExAC 0.00021; 1000 Genomes Project 0.00040; 1000 Genomes Project 30x 0.00062; gnomAD 0.00079 and 0.00086; TOPMed 0.00079; ESP Exome Variant Server 0.00085.
gnomAD v4.1: 241 of 1,614,044 alleles (0.015%); highest among the groups gnomAD compares: African/African-American, 0.26%; 3 homozygotes.

Submissions (8):

Labcorp Genetics (formerly Invitae), Labcorp
Classification: Likely benign for Cortical dysplasia-focal epilepsy syndrome. Last evaluated: 2026-01-28. Review status: criteria provided, single submitter. Criteria: Invitae Variant Classification Sherloc (09022015). Collection method: clinical testing. Allele origin: germline.

GeneDx
Classification: Uncertain significance. Last evaluated: 2025-12-23. Review status: criteria provided, single submitter. Criteria: GeneDx Variant Classification Process June 2021. Collection method: clinical testing. Allele origin: germline. Affected: yes.
Comment: In silico analysis supports that this missense variant has a deleterious effect on protein structure/function; Has not been previously published as pathogenic or benign to our knowledge

Blueprint Genetics
Classification: Uncertain significance. Last evaluated: 2024-11-27. Review status: criteria provided, single submitter. Criteria: ACMG Guidelines, 2015. Collection method: clinical testing. Allele origin: germline.

Ambry Genetics
Classification: Likely benign for Inborn genetic diseases. Last evaluated: 2024-06-16. Review status: criteria provided, single submitter. Criteria: Ambry Variant Classification Scheme 2023. Collection method: clinical testing. Allele origin: germline.

New York Genome Center
Classification: Uncertain significance for Cortical dysplasia-focal epilepsy syndrome. Last evaluated: 2021-06-11. Review status: criteria provided, single submitter. Criteria: NYGC Assertion Criteria 2020. Collection method: clinical testing. Allele origin: inherited. Observed: 1 variant allele. Study: CSER-NYCKidSeq.

Revvity Omics, Revvity
Classification: Uncertain significance for Cortical dysplasia-focal epilepsy syndrome. Last evaluated: 2020-06-24. Review status: criteria provided, single submitter. Criteria: ACMG Guidelines, 2015. Collection method: clinical testing. Allele origin: germline.

Eurofins Ntd Llc (ga)
Classification: Uncertain significance. Last evaluated: 2015-03-13. Review status: criteria provided, single submitter. Criteria: EGL Classification Definitions 2015. Collection method: clinical testing. Allele origin: germline. Observed: 1 variant allele, 1 heterozygote.

PreventionGenetics, part of Exact Sciences
Classification: Likely benign for CNTNAP2-related condition. Last evaluated: 2024-02-08. Review status: no assertion criteria provided. Collection method: clinical testing. Allele origin: germline. Not counted in ClinVar's aggregate classification.
Comment: This variant is classified as likely benign based on ACMG/AMP sequence variant interpretation guidelines (Richards et al. 2015 PMID: 25741868, with internal and published modifications).